The following is an entry in ClinVar:

NM_001303256.3(MORC2):c.2243T>C (p.Val748Ala)

Gene: MORC2 (MORC family CW-type zinc finger 2; minus strand). Cytogenetic location: 22q12.2.
Variant type: single nucleotide variant.
Coding change: c.2243T>C on transcript NM_001303256.3 (MANE Select); coding-DNA position 2243, T replaced by C.
Protein change: p.Val748Ala; replaces valine 748 with alanine.
Molecular consequence: missense variant.
Genome position (GRCh38, 1-based): chr22:30,934,142, A>G on the plus strand (T>C on the coding strand, the complement: MORC2 is on the minus strand). VCF-style: chr22-30934142-A-G. GRCh37 (hg19) VCF-style: chr22-31330129-A-G.
Other names: c.2243T>C, p.Val748Ala (NM_001303257.2); c.2057T>C, p.Val686Ala (NM_014941.3); short protein forms V748A, V686A.
Identifiers: ClinVar variation 658592 (VCV000658592.12), dbSNP rs746418433, ClinGen allele CA10186728.

ClinVar aggregate classification (germline): Uncertain significance. Review status: criteria provided, multiple submitters, no conflicts (2 of 4 stars). 3 submissions from 3 submitters: Uncertain significance (3). Last evaluated 2024-11-03.

Conditions:
Inborn genetic diseases. Identifiers: MedGen C0950123, MeSH D030342.
Charcot-Marie-Tooth disease axonal type 2Z. Also called: CHARCOT-MARIE-TOOTH DISEASE, AXONAL, AUTOSOMAL DOMINANT, TYPE 2Z; CHARCOT-MARIE-TOOTH NEUROPATHY, TYPE 2Z. Identifiers: Orphanet 466768, MedGen C5569025, MONDO:0014736, OMIM 616688.

Allele frequency attached by ClinVar (database versions not stated): ExAC 0.00001; gnomAD 0.00002; gnomAD exomes 0.00002 and 0.00004; TOPMed 0.00002.
gnomAD v4.1: 62 of 1,613,686 alleles (0.0038%); highest among the groups gnomAD compares: Admixed American, 0.005%; no homozygotes.

Submissions (3):

Labcorp Genetics (formerly Invitae), Labcorp
Classification: Uncertain significance for Charcot-Marie-Tooth disease axonal type 2Z. Last evaluated: 2024-11-03. Review status: criteria provided, single submitter. Criteria: Invitae Variant Classification Sherloc (09022015). Collection method: clinical testing. Allele origin: germline.
Comment: This sequence change replaces valine, which is neutral and non-polar, with alanine, which is neutral and non-polar, at codon 748 of the MORC2 protein (p.Val748Ala). This variant is present in population databases (rs746418433, gnomAD 0.009%). This variant has not been reported in the literature in individuals affected with MORC2-related conditions. ClinVar contains an entry for this variant (Variation ID: 658592). Invitae Evidence Modeling of protein sequence and biophysical properties (such as structural, functional, and spatial information, amino acid conservation, physicochemical variation, residue mobility, and thermodynamic stability) indicates that this missense variant is not expected to disrupt MORC2 protein function with a negative predictive value of 95%. In summary, the available evidence is currently insufficient to determine the role of this variant in disease. Therefore, it has been classified as a Variant of Uncertain Significance.

Women's Health and Genetics/Laboratory Corporation of America, LabCorp
Classification: Uncertain significance. Last evaluated: 2023-09-26. Review status: criteria provided, single submitter. Criteria: LabCorp Variant Classification Summary - May 2015. Collection method: clinical testing. Allele origin: germline.
Comment: Variant summary: MORC2 c.2243T>C (p.Val748Ala) results in a non-conservative amino acid change in the encoded protein sequence. Four of five in-silico tools predict a benign effect of the variant on protein function. The variant allele was found at a frequency of 1.6e-05 in 251408 control chromosomes (gnomAD). The available data on variant occurrences in the general population are insufficient to allow any conclusion about variant significance. To our knowledge, no occurrence of c.2243T>C in individuals affected with Developmental Delay, Impaired Growth, Dysmorphic Facies, And Axonal Neuropathy and no experimental evidence demonstrating its impact on protein function have been reported. Two submitters have cited clinical-significance assessments for this variant to ClinVar after 2014. Both submitters classified the variant as uncertain significance. Based on the evidence outlined above, the variant was classified as uncertain significance.

Ambry Genetics
Classification: Uncertain significance for Inborn genetic diseases. Last evaluated: 2020-06-22. Review status: criteria provided, single submitter. Criteria: Ambry Variant Classification Scheme 2023. Collection method: clinical testing. Allele origin: germline.
Comment: The p.V748A variant (also known as c.2243T>C), located in coding exon 20 of the MORC2 gene, results from a T to C substitution at nucleotide position 2243. The valine at codon 748 is replaced by alanine, an amino acid with similar properties. This amino acid position is not well conserved in available vertebrate species, and alanine is the reference amino acid in other vertebrate species. In addition, this alteration is predicted to be tolerated by in silico analysis. Since supporting evidence is limited at this time, the clinical significance of this alteration remains unclear.